The following is an entry in ClinVar:

ClinVar aggregate classification (germline): Uncertain significance. Review status: criteria provided, multiple submitters, no conflicts (2 of 4 stars). 3 submissions from 3 submitters: Uncertain significance (3). Last evaluated 2026-04-12.

Conditions:
Fanconi anemia (FA). Also called: Fanconi's anemia. Identifiers: Orphanet 84, MedGen C0015625, MeSH D005199, MONDO:0019391.
Inborn genetic diseases. Identifiers: MedGen C0950123, MeSH D030342.

Allele frequency attached by ClinVar (database versions not stated): gnomAD exomes below 0.00001.
gnomAD v4.1: 7 of 1,614,194 alleles (0.00043%); highest among the groups gnomAD compares: Middle Eastern, 0.017%; no homozygotes.

Submissions (3):

Ambry Genetics
Classification: Uncertain significance for Inborn genetic diseases. Last evaluated: 2026-04-12. Review status: criteria provided, single submitter. Criteria: Ambry Variant Classification Scheme 2023. Collection method: clinical testing. Allele origin: germline.
Comment: The p.Q549H variant (also known as c.1647G>C), located in coding exon 18 of the FANCA gene, results from a G to C substitution at nucleotide position 1647. The glutamine at codon 549 is replaced by histidine, an amino acid with highly similar properties. This amino acid position is conserved. In addition, the in silico prediction for this alteration is inconclusive. Based on the available evidence, the clinical significance of this variant remains unclear.

Blueprint Genetics
Classification: Uncertain significance. Last evaluated: 2024-08-30. Review status: criteria provided, single submitter. Criteria: ACMG Guidelines, 2015. Collection method: clinical testing. Allele origin: germline.

Labcorp Genetics (formerly Invitae), Labcorp
Classification: Uncertain significance for Fanconi anemia. Last evaluated: 2022-05-04. Review status: criteria provided, single submitter. Criteria: Invitae Variant Classification Sherloc (09022015). Collection method: clinical testing. Allele origin: germline.
Comment: This sequence change replaces glutamine, which is neutral and polar, with histidine, which is basic and polar, at codon 549 of the FANCA protein (p.Gln549His). This variant is not present in population databases (gnomAD no frequency). This variant has not been reported in the literature in individuals affected with FANCA-related conditions. Algorithms developed to predict the effect of missense changes on protein structure and function (SIFT, PolyPhen-2, Align-GVGD) all suggest that this variant is likely to be tolerated. In summary, the available evidence is currently insufficient to determine the role of this variant in disease. Therefore, it has been classified as a Variant of Uncertain Significance.

NM_000135.4(FANCA):c.1647G>C (p.Gln549His)

Gene: FANCA (FA complementation group A; minus strand). Cytogenetic location: 16q24.3.
Variant type: single nucleotide variant.
Coding change: c.1647G>C on transcript NM_000135.4 (MANE Select); coding-DNA position 1647, G replaced by C.
Protein change: p.Gln549His; replaces glutamine 549 with histidine.
Molecular consequence: missense variant.
Genome position (GRCh38, 1-based): chr16:89,779,937, C>G on the plus strand (G>C on the coding strand, the complement: FANCA is on the minus strand). VCF-style: chr16-89779937-C-G. GRCh37 (hg19) VCF-style: chr16-89846345-C-G.
Other names: c.1647G>C, p.Gln549His (NM_001286167.3); short protein forms Q549H.
Identifiers: ClinVar variation 2146732 (VCV002146732.3), dbSNP rs2544231156, ClinGen allele CA397456466.
Genomic context (GRCh38, chr16:89,779,937, plus strand): 5'-CATGACGGTGACTGGGATGTTCCCCGTATGCTCAAACACCATGATGGCCTTTTCAACATC[C>G]TGAAGAGCTTGGCTGTGGGGCTGGTTCCCATACAGGGAGGAAAGGAAAAAGAACAGAGGA-3'
Protein context (NP_000126.2, residues 539-559): DITEPHSQAL[Gln549His]DVEKAIMVFE